The following is an entry in ClinVar:

NM_001673.5(ASNS):c.640G>A (p.Ala214Thr)

Genes: ASNS (asparagine synthetase (glutamine-hydrolyzing); minus strand), CZ1P-ASNS (CZ1P-ASNS readthrough; minus strand). Cytogenetic location: 7q21.3.
Variant type: single nucleotide variant.
Coding change: c.640G>A on transcript NM_001673.5 (MANE Select); coding-DNA position 640, G replaced by A.
Protein change: p.Ala214Thr; replaces alanine 214 with threonine.
Molecular consequence: missense variant. On other transcripts: non-coding transcript variant (1).
Genome position (GRCh38, 1-based): chr7:97,859,246, C>T on the plus strand (G>A on the coding strand, the complement: ASNS is on the minus strand). VCF-style: chr7-97859246-C-T. GRCh37 (hg19) VCF-style: chr7-97488558-C-T.
Other names: c.577G>A, p.Ala193Thr (NM_001178075.2); c.391G>A, p.Ala131Thr (NM_001178076.2, NM_001178077.1); c.640G>A, p.Ala214Thr (NM_001352496.2, NM_133436.3, NM_183356.4); short protein forms A131T, A193T, A214T.
Identifiers: ClinVar variation 2138979 (VCV002138979.1), dbSNP rs1791602042, ClinGen allele CA368269440.
Genomic context (GRCh38, chr7:97,859,246, plus strand): 5'-GGGAATAGGTGGGTGGGTGTCTGCTACCTGGAAAGAGTTTCTCCACATTGTCATAGAGGG[C>T]GTGCAGGGGTACATCCCGACAGTGATGATATTTAACCATTTCCACGGATGCAACTTTGCC-3'
Protein context (NP_001664.3, residues 204-224): YHHCRDVPLH[Ala214Thr]LYDNVEKLFP

ClinVar aggregate classification (germline): Uncertain significance (1 of 4 stars; one submission).

Allele frequency attached by ClinVar (database versions not stated): gnomAD 0.00001; TOPMed 0.00001.
gnomAD v4.1: 7 of 1,613,532 alleles (0.00043%); highest among the groups gnomAD compares: South Asian, 0.0022%; no homozygotes.

Submission:

Labcorp Genetics (formerly Invitae), Labcorp
Classification: Uncertain significance. Last evaluated: 2022-04-07. Review status: criteria provided, single submitter. Criteria: Invitae Variant Classification Sherloc (09022015). Collection method: clinical testing. Allele origin: germline.
Comment: This sequence change replaces alanine, which is neutral and non-polar, with threonine, which is neutral and polar, at codon 214 of the ASNS protein (p.Ala214Thr). This variant is not present in population databases (gnomAD no frequency). This variant has not been reported in the literature in individuals affected with ASNS-related conditions. Algorithms developed to predict the effect of missense changes on protein structure and function output the following: SIFT: "Tolerated"; PolyPhen-2: "Benign"; Align-GVGD: "Class C0". The threonine amino acid residue is found in multiple mammalian species, which suggests that this missense change does not adversely affect protein function. In summary, the available evidence is currently insufficient to determine the role of this variant in disease. Therefore, it has been classified as a Variant of Uncertain Significance.